The following is an entry in ClinVar:

ClinVar aggregate classification (germline): Uncertain significance. Review status: criteria provided, multiple submitters, no conflicts (2 of 4 stars). 2 submissions from 2 submitters: Uncertain significance (2). Last evaluated 2023-07-06.

Conditions:
Inborn genetic diseases. Identifiers: MedGen C0950123, MeSH D030342.

Allele frequency attached by ClinVar (database versions not stated): TOPMed 0.00001.
gnomAD v4.1: 8 of 1,614,118 alleles (0.0005%); highest among the groups gnomAD compares: Non-Finnish European, 0.00068%; no homozygotes.

Submissions (2):

Labcorp Genetics (formerly Invitae), Labcorp
Classification: Uncertain significance. Last evaluated: 2023-07-06. Review status: criteria provided, single submitter. Criteria: Invitae Variant Classification Sherloc (09022015). Collection method: clinical testing. Allele origin: germline.
Comment: In summary, the available evidence is currently insufficient to determine the role of this variant in disease. Therefore, it has been classified as a Variant of Uncertain Significance. An algorithm developed to predict the effect of missense changes on protein structure and function (PolyPhen-2) suggests that this variant is likely to be disruptive. ClinVar contains an entry for this variant (Variation ID: 2165424). This variant has not been reported in the literature in individuals affected with ATR-related conditions. This variant is not present in population databases (gnomAD no frequency). This sequence change replaces isoleucine, which is neutral and non-polar, with phenylalanine, which is neutral and non-polar, at codon 375 of the ATR protein (p.Ile375Phe).

Ambry Genetics
Classification: Uncertain significance for Inborn genetic diseases. Last evaluated: 2022-12-03. Review status: criteria provided, single submitter. Criteria: Ambry Variant Classification Scheme 2023. Collection method: clinical testing. Allele origin: germline.
Comment: The p.I375F variant (also known as c.1123A>T), located in coding exon 4 of the ATR gene, results from an A to T substitution at nucleotide position 1123. The isoleucine at codon 375 is replaced by phenylalanine, an amino acid with highly similar properties. This amino acid position is conserved. In addition, the in silico prediction for this alteration is inconclusive. Since supporting evidence is limited at this time, the clinical significance of this alteration remains unclear.

NM_001184.4(ATR):c.1123A>T (p.Ile375Phe)

Gene: ATR (ATR checkpoint kinase; minus strand). Cytogenetic location: 3q23.
Variant type: single nucleotide variant.
Coding change: c.1123A>T on transcript NM_001184.4 (MANE Select); coding-DNA position 1123, A replaced by T.
Protein change: p.Ile375Phe; replaces isoleucine 375 with phenylalanine.
Molecular consequence: missense variant.
Genome position (GRCh38, 1-based): chr3:142,562,279, T>A on the plus strand (A>T on the coding strand, the complement: ATR is on the minus strand). VCF-style: chr3-142562279-T-A. GRCh37 (hg19) VCF-style: chr3-142281121-T-A.
Other names: c.1123A>T, p.Ile375Phe (NM_001354579.2); c.1123A>T (NM_001184.3); short protein forms I375F.
Identifiers: ClinVar variation 2165424 (VCV002165424.4), dbSNP rs902206198, ClinGen allele CA84755501.